The following is an entry in ClinVar:

ClinVar aggregate classification (germline): Uncertain significance (1 of 4 stars; one submission).

Conditions:
Amyotrophic lateral sclerosis type 1 (ALS1). Also called: AMYOTROPHIC LATERAL SCLEROSIS 1, FAMILIAL. Identifiers: Orphanet 803, MedGen C1862939, MONDO:0007103, OMIM 105400.
Perry syndrome. Also called: PARKINSONISM WITH ALVEOLAR HYPOVENTILATION AND MENTAL DEPRESSION. Identifiers: Orphanet 178509, MedGen C1868594, MONDO:0008201, OMIM 168605.
Neuronopathy, distal hereditary motor, type 7B. Also called: Distal Hereditary Motor Neuronopathy Type 7B (dHMN7B); HMN VIIB; LOWER MOTOR NEURON DISEASE, DYNACTIN TYPE; NEURONOPATHY, DISTAL HEREDITARY MOTOR, HARDING TYPE VIIB; NEUROPATHY, DISTAL HEREDITARY MOTOR, HARDING TYPE VIIB; NEUROPATHY, DISTAL HEREDITARY MOTOR, WITH VOCAL CORD PARALYSIS, HARDING TYPE VIIB. Identifiers: Orphanet 139589, MedGen C1843315, MONDO:0011879, OMIM 607641.

Allele frequency attached by ClinVar (database versions not stated): gnomAD exomes below 0.00001; TOPMed below 0.00001.
gnomAD v4.1: 1 of 1,614,246 alleles (0.000062%); highest among the groups gnomAD compares: Non-Finnish European, 0.000085%; no homozygotes.

Submission:

Labcorp Genetics (formerly Invitae), Labcorp
Classification: Uncertain significance for Amyotrophic lateral sclerosis type 1; Neuronopathy, distal hereditary motor, type 7B; Perry syndrome. Last evaluated: 2020-03-04. Review status: criteria provided, single submitter. Criteria: Invitae Variant Classification Sherloc (09022015). Collection method: clinical testing. Allele origin: germline.
Comment: In summary, the available evidence is currently insufficient to determine the role of this variant in disease. Therefore, it has been classified as a Variant of Uncertain Significance. The current clinical and genetic evidence is not sufficient to establish whether loss-of-function variants in DCTN1 cause disease. Algorithms developed to predict the effect of sequence changes on RNA splicing suggest that this variant may create or strengthen a splice site, but this prediction has not been confirmed by published transcriptional studies. This variant has not been reported in the literature in individuals with DCTN1-related conditions. This variant is not present in population databases (ExAC no frequency). This sequence change creates a premature translational stop signal (p.Arg804*) in the DCTN1 gene. It is expected to result in an absent or disrupted protein product.

NM_004082.5(DCTN1):c.2410C>T (p.Arg804Ter)

Gene: DCTN1 (dynactin subunit 1; minus strand). Cytogenetic location: 2p13.1.
Variant type: single nucleotide variant.
Coding change: c.2410C>T on transcript NM_004082.5 (MANE Select); coding-DNA position 2410, C replaced by T.
Protein change: p.Arg804Ter; replaces arginine 804 with a stop codon.
Molecular consequence: nonsense. On other transcripts: non-coding transcript variant (1).
Genome position (GRCh38, 1-based): chr2:74,366,839, G>A on the plus strand (C>T on the coding strand, the complement: DCTN1 is on the minus strand). VCF-style: chr2-74366839-G-A. GRCh37 (hg19) VCF-style: chr2-74593966-G-A.
Other names: c.2350C>T, p.Arg784Ter (NM_001135040.3); c.2008C>T, p.Arg670Ter (NM_001135041.3, NM_023019.4); c.2299C>T, p.Arg767Ter (NM_001190836.2); c.2389C>T, p.Arg797Ter (NM_001190837.2); c.2359C>T, p.Arg787Ter (NM_001378991.1); c.2341C>T, p.Arg781Ter (NM_001378992.1); short protein forms R670*, R767*, R781*, R784*, R787*, R797*, R804*.
Identifiers: ClinVar variation 1061137 (VCV001061137.7), dbSNP rs1674450649, ClinGen allele CA347347423.